The following is an entry in ClinVar:

ClinVar aggregate classification (germline): Uncertain significance (1 of 4 stars; one submission).

Conditions:
Dilated cardiomyopathy 1G (CMD1G). Identifiers: Orphanet 154, MedGen C1858763, MONDO:0011400, OMIM 604145.
Autosomal recessive limb-girdle muscular dystrophy type 2J (LGMDR10). Also called: Limb-girdle muscular dystrophy, type 2J; MUSCULAR DYSTROPHY, LIMB-GIRDLE, AUTOSOMAL RECESSIVE 10. Identifiers: Orphanet 140922, MedGen C1837342, MONDO:0012127, OMIM 608807.

gnomAD v4.1: 1 of 1,613,928 alleles (0.000062%); highest among the groups gnomAD compares: East Asian, 0.0022%; no homozygotes.

Submission:

Labcorp Genetics (formerly Invitae), Labcorp
Classification: Uncertain significance for Dilated cardiomyopathy 1G; Autosomal recessive limb-girdle muscular dystrophy type 2J. Last evaluated: 2023-06-22. Review status: criteria provided, single submitter. Criteria: Invitae Variant Classification Sherloc (09022015). Collection method: clinical testing. Allele origin: germline.
Comment: This sequence change replaces isoleucine, which is neutral and non-polar, with methionine, which is neutral and non-polar, at codon 35957 of the TTN protein (p.Ile35957Met). This variant is not present in population databases (gnomAD no frequency). This variant has not been reported in the literature in individuals affected with TTN-related conditions. Experimental studies and prediction algorithms are not available or were not evaluated, and the functional significance of this variant is currently unknown. In summary, the available evidence is currently insufficient to determine the role of this variant in disease. Therefore, it has been classified as a Variant of Uncertain Significance. This variant is located in the M band of TTN (PMID: 25589632). Variants in this region may be relevant for neuromuscular disorders, but have not been definitively shown to cause cardiomyopathy (PMID: 23975875).

Literature cited by the submitters: PubMed 25589632; PubMed 23975875.

NM_001267550.2(TTN):c.107871C>G (p.Ile35957Met)

Genes: TTN-AS1 (TTN antisense RNA 1; plus strand), TTN (titin; minus strand). Cytogenetic location: 2q31.2.
Variant type: single nucleotide variant.
Coding change: c.107871C>G on transcript NM_001267550.2 (MANE Select); coding-DNA position 107871, C replaced by G.
Protein change: p.Ile35957Met; replaces isoleucine 35957 with methionine.
Molecular consequence: missense variant.
Genome position (GRCh38, 1-based): chr2:178,527,117, G>C on the plus strand (C>G on the coding strand, the complement: TTN is on the minus strand). VCF-style: chr2-178527117-G-C. GRCh37 (hg19) VCF-style: chr2-179391844-G-C.
Other names: c.102948C>G, p.Ile34316Met (NM_001256850.1); c.80676C>G, p.Ile26892Met (NM_003319.4); c.100167C>G, p.Ile33389Met (NM_133378.4); c.81051C>G, p.Ile27017Met (NM_133432.3); c.81252C>G, p.Ile27084Met (NM_133437.4); short protein forms I26892M, I35957M, I27017M, I27084M, I33389M, I34316M.
Identifiers: ClinVar variation 2949168 (VCV002949168.3), dbSNP rs777697301, ClinGen allele CA349398590.